The following is an entry in ClinVar:

NM_020208.4(SLC6A20):c.*1186T>C

Gene: SLC6A20 (solute carrier family 6 member 20; minus strand). Cytogenetic location: 3p21.31.
Variant type: single nucleotide variant.
Coding change: c.*1186T>C on transcript NM_020208.4 (MANE Select); 1186 bases downstream of the stop codon, T replaced by C.
Molecular consequence: 3 prime UTR variant.
Genome position (GRCh38, 1-based): chr3:45,757,792, A>G on the plus strand (T>C on the coding strand, the complement: SLC6A20 is on the minus strand). VCF-style: chr3-45757792-A-G. GRCh37 (hg19) VCF-style: chr3-45799284-A-G.
Other names: c.*1186T>C (NM_022405.4).
Identifiers: ClinVar variation 345378 (VCV000345378.5), dbSNP rs9811206, ClinGen allele CA10616555.

ClinVar aggregate classification (germline): Benign (1 of 4 stars; one submission).

Conditions:
Hyperglycinuria. Also called: GLYCINURIA WITH OR WITHOUT OXALATE NEPHROLITHIASIS; GLYCINURIA WITH OR WITHOUT OXALATE UROLITHIASIS; IMINOGLYCINURIA TYPE II. Identifiers: MedGen C0543541, MONDO:0007677, OMIM 138500, HP:0003108.

Allele frequency attached by ClinVar (database versions not stated): gnomAD exomes 0.00685; gnomAD 0.02697 and 0.02859; TOPMed 0.03134; 1000 Genomes Project 0.03415; 1000 Genomes Project 30x 0.03498.
gnomAD v4.1: 4,054 of 152,404 alleles (2.7%); highest among the groups gnomAD compares: African/African-American, 9.1%; 191 homozygotes.

Submission:

Illumina Laboratory Services, Illumina
Classification: Benign for Hyperglycinuria. Last evaluated: 2018-01-13. Review status: criteria provided, single submitter. Criteria: ICSL Variant Classification Criteria 13 December 2019. Collection method: clinical testing. Allele origin: germline.
Comment: This variant was observed in the ICSL laboratory as part of a predisposition screen in an ostensibly healthy population. It had not been previously curated by ICSL or reported in the Human Gene Mutation Database (HGMD: prior to June 1st, 2018), and was therefore a candidate for classification through an automated scoring system. Utilizing variant allele frequency, disease prevalence and penetrance estimates, and inheritance mode, an automated score was calculated to assess if this variant is too frequent to cause the disease. Based on the score and internal cut-off values, a variant classified as benign is not then subjected to further curation. The score for this variant resulted in a classification of benign for this disease.